The following is an entry in ClinVar:

ClinVar aggregate classification (germline): Likely benign (1 of 4 stars; one submission).

Conditions:
SIM1-related disorder. Also called: SIM1-related disorders; SIM1-related condition.

Submission:

PreventionGenetics, part of Exact Sciences
Classification: Likely benign for SIM1-related condition. Last evaluated: 2026-08-06. Review status: criteria provided, single submitter. Criteria: ACMG Guidelines, 2015. Collection method: clinical testing. Allele origin: germline.
Comment: This variant is classified as likely benign based on ACMG/AMP sequence variant interpretation guidelines (Richards et al. 2015 PMID: 25741868, with internal and published modifications).

NM_005068.3(SIM1):c.2187C>T (p.Asn729=)

Gene: SIM1 (SIM bHLH transcription factor 1; minus strand). Cytogenetic location: 6q16.3.
Variant type: single nucleotide variant.
Coding change: c.2187C>T on transcript NM_005068.3 (MANE Select); coding-DNA position 2187, C replaced by T.
Protein change: p.Asn729=; no amino-acid change (asparagine 729 retained).
Molecular consequence: synonymous variant.
Genome position (GRCh38, 1-based): chr6:100,390,475, G>A on the plus strand (C>T on the coding strand, the complement: SIM1 is on the minus strand). VCF-style: chr6-100390475-G-A. GRCh37 (hg19) VCF-style: chr6-100838351-G-A.
Other names: c.2187C>T, p.Asn729= (NM_001374769.1).
Identifiers: ClinVar variation 4991745 (VCV004991745.1).